The following is an entry in ClinVar:

NM_000234.3(LIG1):c.243G>C (p.Gln81His)

Gene: LIG1 (DNA ligase 1; minus strand). Cytogenetic location: 19q13.33.
Variant type: single nucleotide variant.
Coding change: c.243G>C on transcript NM_000234.3 (MANE Select); coding-DNA position 243, G replaced by C.
Protein change: p.Gln81His; replaces glutamine 81 with histidine.
Molecular consequence: missense variant. On other transcripts: non-coding transcript variant (6).
Genome position (GRCh38, 1-based): chr19:48,161,372, C>G on the plus strand (G>C on the coding strand, the complement: LIG1 is on the minus strand). VCF-style: chr19-48161372-C-G. GRCh37 (hg19) VCF-style: chr19-48664629-C-G.
Other names: c.153G>C, p.Gln51His (NM_001289063.2, NM_001320971.2); c.243G>C, p.Gln81His (NM_001289064.2, NM_001320970.2); short protein forms Q81H, Q51H.
Identifiers: ClinVar variation 2101971 (VCV002101971.4), dbSNP rs2514332549, ClinGen allele CA406642773.

ClinVar aggregate classification (germline): Uncertain significance (1 of 4 stars; one submission).

gnomAD v4.1: 2 of 1,614,182 alleles (0.00012%); highest among the groups gnomAD compares: Admixed American, 0.0017%; no homozygotes.

Submission:

Labcorp Genetics (formerly Invitae), Labcorp
Classification: Uncertain significance. Last evaluated: 2022-10-05. Review status: criteria provided, single submitter. Criteria: Invitae Variant Classification Sherloc (09022015). Collection method: clinical testing. Allele origin: germline.
Comment: This variant has not been reported in the literature in individuals affected with LIG1-related conditions. In summary, the available evidence is currently insufficient to determine the role of this variant in disease. Therefore, it has been classified as a Variant of Uncertain Significance. Variants that disrupt the consensus splice site are a relatively common cause of aberrant splicing (PMID: 17576681, 9536098). Algorithms developed to predict the effect of sequence changes on RNA splicing suggest that this variant may disrupt the consensus splice site. Algorithms developed to predict the effect of missense changes on protein structure and function are either unavailable or do not agree on the potential impact of this missense change (SIFT: "Deleterious"; PolyPhen-2: "Benign"; Align-GVGD: "Class C0"). This variant is not present in population databases (gnomAD no frequency). This sequence change replaces glutamine, which is neutral and polar, with histidine, which is basic and polar, at codon 81 of the LIG1 protein (p.Gln81His). This variant also falls at the last nucleotide of exon 4, which is part of the consensus splice site for this exon.

Literature cited by the submitters: PubMed 17576681; PubMed 9536098.